The following is an entry in ClinVar:

ClinVar aggregate classification (germline): Uncertain significance (1 of 4 stars; one submission).

Submission:

Dasa
Classification: Uncertain significance. Last evaluated: 2026-05-09. Review status: criteria provided, single submitter. Criteria: DASA Assertion Criteria. Collection method: clinical testing. Allele origin: germline.
Comment: NM_002739.5(PRKCG):c.338T>C (p.Phe113Ser) is a missense variant that results in the substitution of phenylalanine with serine. The affected residue or protein region has prior evidence supporting clinical relevance. This variant is absent from population databases. Computational prediction algorithms are consistent with a deleterious effect. The currently available literature and clinical evidence are not sufficient to establish a definitive association between this variant and the reported condition. Therefore, this variant is classified as a variant of uncertain significance.

NM_002739.5(PRKCG):c.338T>C (p.Phe113Ser)

Gene: PRKCG (protein kinase C gamma; plus strand). Cytogenetic location: 19q13.42.
Variant type: single nucleotide variant.
Coding change: c.338T>C on transcript NM_002739.5 (MANE Select); coding-DNA position 338, T replaced by C.
Protein change: p.Phe113Ser; replaces phenylalanine 113 with serine.
Molecular consequence: missense variant.
Genome position (GRCh38, 1-based): chr19:53,889,690, T>C. VCF-style: chr19-53889690-T-C. GRCh37 (hg19) VCF-style: chr19-54392944-T-C.
Other names: c.338T>C, p.Phe113Ser (NM_001316329.2); short protein forms F113S.
Identifiers: ClinVar variation 5020588 (VCV005020588.1).